The following is an entry in ClinVar:

NM_004168.4(SDHA):c.1965C>T (p.Ala655=)

Gene: SDHA (succinate dehydrogenase complex flavoprotein subunit A; plus strand). Cytogenetic location: 5p15.33.
Variant type: single nucleotide variant.
Coding change: c.1965C>T on transcript NM_004168.4 (MANE Select); coding-DNA position 1965, C replaced by T.
Protein change: p.Ala655=; no amino-acid change (alanine 655 retained).
Molecular consequence: synonymous variant.
Genome position (GRCh38, 1-based): chr5:256,390, C>T. VCF-style: chr5-256390-C-T. GRCh37 (hg19) VCF-style: chr5-256505-C-T.
Other names: c.1965C>T (NM_004168.3); c.1821C>T, p.Ala607= (NM_001294332.2); c.1722C>T, p.Ala574= (NM_001330758.2).
Identifiers: ClinVar variation 3223737 (VCV003223737.2), dbSNP rs2477489407, ClinGen allele CA442659586.

ClinVar aggregate classification (germline): Conflicting classifications of pathogenicity. Review status: criteria provided, conflicting classifications (1 of 4 stars). 2 submissions from 2 submitters: Uncertain significance (1); Likely benign (1). Last evaluated 2024-07-02.

Conditions:
Hereditary cancer-predisposing syndrome. Also called: Tumor predisposition; Hereditary neoplastic syndrome; Hereditary Cancer Syndrome; Neoplastic Syndromes, Hereditary. Identifiers: Orphanet 140162, MedGen C0027672, MeSH D009386, MONDO:0015356.

Submissions (2):

Quest Diagnostics Nichols Institute San Juan Capistrano
Classification: Uncertain significance. Last evaluated: 2024-07-02. Review status: criteria provided, single submitter. Criteria: Quest Diagnostics criteria. Collection method: clinical testing. Allele origin: unknown.
Comment: The SDHA c.1965C>T (p.Ala655=) synonymous variant has not been reported in individuals with SDHA-related conditions in the published literature. It also has not been reported in large, multi-ethnic general populations (Genome Aggregation Database). Analysis of this variant using software algorithms for the prediction of the effect of nucleotide changes on splicing yielded predictions that this variant does not affect SDHA mRNA splicing. Based on the available information, we are unable to determine the clinical significance of this variant.

Ambry Genetics
Classification: Likely benign for Hereditary cancer-predisposing syndrome. Last evaluated: 2024-01-08. Review status: criteria provided, single submitter. Criteria: Ambry Variant Classification Scheme 2023. Collection method: clinical testing. Allele origin: germline.